The following is an entry in ClinVar:

NM_001365480.1(CCDC88A):c.2040_2041insTTGGTGCTGTGAAATTGTTTTAGGTAATAGCTTTTCTAGTCAGGTTAGGTCTAGGAGGAGTAGGGGCAGGTTTTGGCTCGTAAGAAGGCCT (p.Ser681delinsLeuValLeuTer)

Gene: CCDC88A (coiled-coil and HOOK domain protein 88A; minus strand). Cytogenetic location: 2p16.1.
Variant type: Insertion.
Coding change: c.2040_2041insTTGGTGCTGTGAAATTGTTTTAGGTAATAGCTTTTCTAGTCAGGTTAGGTCTAGGAGGAGTAGGGGCAGGTTTTGGCTCGTAAGAAGGCCT on transcript NM_001365480.1 (MANE Select); coding-DNA positions 2040 to 2041, TTGGTGCTGTGAAATTGTTTTAGGTAATAGCTTTTCTAGTCAGGTTAGGTCTAGGAGGAGTAGGGGCAGGTTTTGGCTCGTAAGAAGGCCT inserted.
Protein change: p.Ser681delinsLeuValLeuTer.
Molecular consequence: nonsense.
Genome position: GRCh38: chr2:55,334,781-55,334,782. GRCh37 (hg19): chr2:55,561,917-55,561,918.
Other names: c.2040_2041insTTGGTGCTGTGAAATTGTTTTAGGTAATAGCTTTTCTAGTCAGGTTAGGTCTAGGAGGAGTAGGGGCAGGTTTTGGCTCGTAAGAAGGCCT, p.Ser681delinsLeuValLeuTer (NM_018084.5, NM_001135597.2, NM_001254943.2).
Identifiers: ClinVar variation 4735071 (VCV004735071.1).

ClinVar aggregate classification (germline): Pathogenic (1 of 4 stars; one submission).

Submission:

Labcorp Genetics (formerly Invitae), Labcorp
Classification: Pathogenic. Last evaluated: 2026-01-11. Review status: criteria provided, single submitter. Criteria: Invitae Variant Classification Sherloc (09022015). Collection method: clinical testing. Allele origin: germline.
Comment: This sequence change creates a premature translational stop signal (p.Ser681delinsLeuValLeu*) in the CCDC88A gene. It is expected to result in an absent or disrupted protein product. Loss-of-function variants in CCDC88A are known to be pathogenic (PMID: 26917597, 30392057). This variant is not present in population databases (gnomAD no frequency). This variant has not been reported in the literature in individuals affected with CCDC88A-related conditions. For these reasons, this variant has been classified as Pathogenic.

Literature cited by the submitters: PubMed 26917597; PubMed 30392057.